The following is an entry in ClinVar:

ClinVar aggregate classification (germline): Likely benign (1 of 4 stars; one submission).

Submission:

GeneDx
Classification: Likely benign. Last evaluated: 2012-10-31. Review status: criteria provided, single submitter. Criteria: GeneDx Variant Classification (06012015). Collection method: clinical testing. Allele origin: germline. Affected: yes.
Comment: This variant is considered likely benign or benign based on one or more of the following criteria: it is a conservative change, it occurs at a poorly conserved position in the protein, it is predicted to be benign by multiple in silico algorithms, and/or has population frequency not consistent with disease.

NM_000744.7(CHRNA4):c.-28C>T

Genes: CHRNA4 (cholinergic receptor nicotinic alpha 4 subunit; minus strand), LOC100130587 (uncharacterized LOC100130587; plus strand). Cytogenetic location: 20q13.33.
Variant type: single nucleotide variant.
Coding change: c.-28C>T on transcript NM_000744.7 (MANE Select); 28 bases upstream of the start codon, C replaced by T.
Molecular consequence: 5 prime UTR variant. On other transcripts: non-coding transcript variant (1).
Genome position (GRCh38, 1-based): chr20:63,361,193, G>A on the plus strand (C>T on the coding strand, the complement: CHRNA4 is on the minus strand). VCF-style: chr20-63361193-G-A. GRCh37 (hg19) VCF-style: chr20-61992545-G-A.
Other names: c.-487C>T (NM_001256573.2).
Identifiers: ClinVar variation 205006 (VCV000205006.1), dbSNP rs796052311, ClinGen allele CA313531.
Genomic context (GRCh38, chr20:63,361,193, plus strand): 5'-CAGCCGCGGCGCTCCGGGGCCCCCTAGCTCCATGGCGCACGCACCTCGCGGGCTCTAGAT[G>A]CGGGCGGCTCCCGGCTCCCCGCCGCTTCGAGGCCCGTGCGCGCCCAACTTCATGCCTCCC-3'